The following is an entry in ClinVar:

NM_000179.3(MSH6):c.220G>A (p.Gly74Arg)

Gene: MSH6 (mutS homolog 6; plus strand). Cytogenetic location: 2p16.3.
Variant type: single nucleotide variant.
Coding change: c.220G>A on transcript NM_000179.3 (MANE Select); coding-DNA position 220, G replaced by A.
Protein change: p.Gly74Arg; replaces glycine 74 with arginine.
Molecular consequence: missense variant. On other transcripts: 5 prime UTR variant (1).
Genome position (GRCh38, 1-based): chr2:47,783,453, G>A. VCF-style: chr2-47783453-G-A. GRCh37 (hg19) VCF-style: chr2-48010592-G-A.
Other names: c.220G>A (NM_000179.2); c.220G>A, p.Gly74Arg (NM_001281492.2); c.-517G>A (NM_001281493.2); short protein forms G74R.
Identifiers: ClinVar variation 1491231 (VCV001491231.7), dbSNP rs1553408388, ClinGen allele CA346735082.

ClinVar aggregate classification (germline): Uncertain significance. Review status: criteria provided, multiple submitters, no conflicts (2 of 4 stars). 2 submissions from 2 submitters: Uncertain significance (2). Last evaluated 2023-11-15.

Conditions:
Hereditary nonpolyposis colorectal neoplasms. Identifiers: MedGen C0009405, MeSH D003123.
Hereditary cancer-predisposing syndrome. Also called: Tumor predisposition; Hereditary neoplastic syndrome; Neoplastic Syndromes, Hereditary; Hereditary Cancer Syndrome. Identifiers: Orphanet 140162, MedGen C0027672, MeSH D009386, MONDO:0015356.

Submissions (2):

Labcorp Genetics (formerly Invitae), Labcorp
Classification: Uncertain significance for Hereditary nonpolyposis colorectal neoplasms. Last evaluated: 2023-11-15. Review status: criteria provided, single submitter. Criteria: Invitae Variant Classification Sherloc (09022015). Collection method: clinical testing. Allele origin: germline.
Comment: This sequence change replaces glycine, which is neutral and non-polar, with arginine, which is basic and polar, at codon 74 of the MSH6 protein (p.Gly74Arg). This variant is not present in population databases (gnomAD no frequency). This variant has not been reported in the literature in individuals affected with MSH6-related conditions. ClinVar contains an entry for this variant (Variation ID: 1491231). Advanced modeling of protein sequence and biophysical properties (such as structural, functional, and spatial information, amino acid conservation, physicochemical variation, residue mobility, and thermodynamic stability) performed at Invitae indicates that this missense variant is not expected to disrupt MSH6 protein function with a negative predictive value of 95%. In summary, the available evidence is currently insufficient to determine the role of this variant in disease. Therefore, it has been classified as a Variant of Uncertain Significance.

Ambry Genetics
Classification: Uncertain significance for Hereditary cancer-predisposing syndrome. Last evaluated: 2020-02-25. Review status: criteria provided, single submitter. Criteria: Ambry Variant Classification Scheme 2023. Collection method: clinical testing. Allele origin: germline.